The following is an entry in ClinVar:

ClinVar aggregate classification (germline): Uncertain significance. Review status: criteria provided, multiple submitters, no conflicts (2 of 4 stars). 2 submissions from 2 submitters: Uncertain significance (2). Last evaluated 2025-03-21.

Conditions:
Inborn genetic diseases. Identifiers: MedGen C0950123, MeSH D030342.

gnomAD v4.1: 5 of 1,613,914 alleles (0.00031%); highest among the groups gnomAD compares: East Asian, 0.0045%; no homozygotes.

Submissions (2):

Ambry Genetics
Classification: Uncertain significance for Inborn genetic diseases. Last evaluated: 2025-03-21. Review status: criteria provided, single submitter. Criteria: Ambry Variant Classification Scheme 2023. Collection method: clinical testing. Allele origin: germline.

Labcorp Genetics (formerly Invitae), Labcorp
Classification: Uncertain significance. Last evaluated: 2024-09-11. Review status: criteria provided, single submitter. Criteria: Invitae Variant Classification Sherloc (09022015). Collection method: clinical testing. Allele origin: germline.
Comment: This sequence change replaces isoleucine, which is neutral and non-polar, with methionine, which is neutral and non-polar, at codon 395 of the KRT6C protein (p.Ile395Met). This variant is present in population databases (rs761855542, gnomAD 0.02%). This variant has not been reported in the literature in individuals affected with KRT6C-related conditions. Invitae Evidence Modeling of protein sequence and biophysical properties (such as structural, functional, and spatial information, amino acid conservation, physicochemical variation, residue mobility, and thermodynamic stability) indicates that this missense variant is not expected to disrupt KRT6C protein function with a negative predictive value of 80%. In summary, the available evidence is currently insufficient to determine the role of this variant in disease. Therefore, it has been classified as a Variant of Uncertain Significance.

NM_173086.5(KRT6C):c.1185C>G (p.Ile395Met)

Gene: KRT6C (keratin 6C; minus strand). Cytogenetic location: 12q13.13.
Variant type: single nucleotide variant.
Coding change: c.1185C>G on transcript NM_173086.5 (MANE Select); coding-DNA position 1185, C replaced by G.
Protein change: p.Ile395Met; replaces isoleucine 395 with methionine.
Molecular consequence: missense variant.
Genome position (GRCh38, 1-based): chr12:52,470,523, G>C on the plus strand (C>G on the coding strand, the complement: KRT6C is on the minus strand). VCF-style: chr12-52470523-G-C. GRCh37 (hg19) VCF-style: chr12-52864307-G-C.
Other names: c.1185C>G (NM_173086.4); short protein forms I395M.
Identifiers: ClinVar variation 3704169 (VCV003704169.3).